The following is an entry in ClinVar:

NM_000186.4(CFH):c.2840A>G (p.Asp947Gly)

Gene: CFH (complement factor H; plus strand). Cytogenetic location: 1q31.3.
Variant type: single nucleotide variant.
Coding change: c.2840A>G on transcript NM_000186.4 (MANE Select); coding-DNA position 2840, A replaced by G.
Protein change: p.Asp947Gly; replaces aspartic acid 947 with glycine.
Molecular consequence: missense variant.
Genome position (GRCh38, 1-based): chr1:196,740,676, A>G. VCF-style: chr1-196740676-A-G. GRCh37 (hg19) VCF-style: chr1-196709806-A-G.
Other names: short protein forms D947G.
Identifiers: ClinVar variation 1420711 (VCV001420711.6), dbSNP rs1558184527, ClinGen allele CA343981050.

ClinVar aggregate classification (germline): Uncertain significance (1 of 4 stars; one submission).

Allele frequency attached by ClinVar (database versions not stated): gnomAD exomes below 0.00001.
gnomAD v4.1: 2 of 1,613,956 alleles (0.00012%); highest among the groups gnomAD compares: Non-Finnish European, 0.000085%; no homozygotes.

Submission:

Labcorp Genetics (formerly Invitae), Labcorp
Classification: Uncertain significance. Last evaluated: 2022-11-22. Review status: criteria provided, single submitter. Criteria: Invitae Variant Classification Sherloc (09022015). Collection method: clinical testing. Allele origin: germline.
Comment: Algorithms developed to predict the effect of sequence changes on RNA splicing suggest that this variant may disrupt the consensus splice site. In summary, the available evidence is currently insufficient to determine the role of this variant in disease. Therefore, it has been classified as a Variant of Uncertain Significance. Algorithms developed to predict the effect of missense changes on protein structure and function output the following: SIFT: "Deleterious"; PolyPhen-2: "Benign"; Align-GVGD: "Class C0". The glycine amino acid residue is found in multiple mammalian species, which suggests that this missense change does not adversely affect protein function. ClinVar contains an entry for this variant (Variation ID: 1420711). This variant has not been reported in the literature in individuals affected with CFH-related conditions. This variant is not present in population databases (gnomAD no frequency). This sequence change replaces aspartic acid, which is acidic and polar, with glycine, which is neutral and non-polar, at codon 947 of the CFH protein (p.Asp947Gly).